The following is an entry in ClinVar:

ClinVar aggregate classification (germline): Uncertain significance (1 of 4 stars; one submission).

Conditions:
Noonan syndrome 9 (NS9). Identifiers: Orphanet 648, MedGen C4225282, MONDO:0014691, OMIM 616559.

Submission:

Labcorp Genetics (formerly Invitae), Labcorp
Classification: Uncertain significance for Noonan syndrome 9. Last evaluated: 2022-12-13. Review status: criteria provided, single submitter. Criteria: Invitae Variant Classification Sherloc (09022015). Collection method: clinical testing. Allele origin: germline.
Comment: Advanced modeling of protein sequence and biophysical properties (such as structural, functional, and spatial information, amino acid conservation, physicochemical variation, residue mobility, and thermodynamic stability) performed at Invitae indicates that this missense variant is not expected to disrupt SOS2 protein function. In summary, the available evidence is currently insufficient to determine the role of this variant in disease. Therefore, it has been classified as a Variant of Uncertain Significance. This variant has not been reported in the literature in individuals affected with SOS2-related conditions. This variant is not present in population databases (gnomAD no frequency). This sequence change replaces glutamine, which is neutral and polar, with lysine, which is basic and polar, at codon 858 of the SOS2 protein (p.Gln858Lys).

NM_006939.4(SOS2):c.2572C>A (p.Gln858Lys)

Gene: SOS2 (SOS Ras/Rho guanine nucleotide exchange factor 2; minus strand). Cytogenetic location: 14q21.3.
Variant type: single nucleotide variant.
Coding change: c.2572C>A on transcript NM_006939.4 (MANE Select); coding-DNA position 2572, C replaced by A.
Protein change: p.Gln858Lys; replaces glutamine 858 with lysine.
Molecular consequence: missense variant.
Genome position (GRCh38, 1-based): chr14:50,145,265, G>T on the plus strand (C>A on the coding strand, the complement: SOS2 is on the minus strand). VCF-style: chr14-50145265-G-T. GRCh37 (hg19) VCF-style: chr14-50611983-G-T.
Other names: c.2473C>A, p.Gln825Lys (NM_001411020.1); short protein forms Q825K, Q858K.
Identifiers: ClinVar variation 2918304 (VCV002918304.3), dbSNP rs1884431953, ClinGen allele CA389643090.